The following is an entry in ClinVar:

ClinVar aggregate classification (germline): Uncertain significance (1 of 4 stars; one submission).

Conditions:
Mucopolysaccharidosis, MPS-III-D (MPS3D). Also called: N-ACETYLGLUCOSAMINE-6-SULFATASE DEFICIENCY; SANFILIPPO SYNDROME D; MPS III D; Mucopoly-saccharidosis type 3D; N-acetylglucosamine-6-sulfate sulfatase deficiency; MPS 3D. Identifiers: Orphanet 581, Orphanet 79272, MedGen C0086650, MONDO:0009658, OMIM 252940.

Allele frequency attached by ClinVar (database versions not stated): gnomAD exomes 0.00001; TOPMed below 0.00001.
gnomAD v4.1: 13 of 1,613,492 alleles (0.00081%); highest among the groups gnomAD compares: Non-Finnish European, 0.0011%; no homozygotes.

Submission:

Labcorp Genetics (formerly Invitae), Labcorp
Classification: Uncertain significance for Mucopolysaccharidosis, MPS-III-D. Last evaluated: 2021-12-02. Review status: criteria provided, single submitter. Criteria: Invitae Variant Classification Sherloc (09022015). Collection method: clinical testing. Allele origin: germline.
Comment: In summary, the available evidence is currently insufficient to determine the role of this variant in disease. Therefore, it has been classified as a Variant of Uncertain Significance. Algorithms developed to predict the effect of missense changes on protein structure and function are either unavailable or do not agree on the potential impact of this missense change (SIFT: "Deleterious"; PolyPhen-2: "Benign"; Align-GVGD: "Class C0"). This variant has not been reported in the literature in individuals affected with GNS-related conditions. This variant is not present in population databases (gnomAD no frequency). This sequence change replaces arginine, which is basic and polar, with glycine, which is neutral and non-polar, at codon 543 of the GNS protein (p.Arg543Gly).

NM_002076.4(GNS):c.1627A>G (p.Arg543Gly)

Gene: GNS (glucosamine (N-acetyl)-6-sulfatase; minus strand). Cytogenetic location: 12q14.3.
Variant type: single nucleotide variant.
Coding change: c.1627A>G on transcript NM_002076.4 (MANE Select); coding-DNA position 1627, A replaced by G.
Protein change: p.Arg543Gly; replaces arginine 543 with glycine.
Molecular consequence: missense variant.
Genome position (GRCh38, 1-based): chr12:64,716,773, T>C on the plus strand (A>G on the coding strand, the complement: GNS is on the minus strand). VCF-style: chr12-64716773-T-C. GRCh37 (hg19) VCF-style: chr12-65110553-T-C.
Other names: short protein forms R543G.
Identifiers: ClinVar variation 1498213 (VCV001498213.6), dbSNP rs763232728, ClinGen allele CA238269344.